The following is an entry in ClinVar:

NM_007294.4(BRCA1):c.5076T>C (p.Asp1692=)

Gene: BRCA1 (BRCA1 DNA repair associated; minus strand). Cytogenetic location: 17q21.31.
Variant type: single nucleotide variant.
Coding change: c.5076T>C on transcript NM_007294.4 (MANE Select); coding-DNA position 5076, T replaced by C.
Protein change: p.Asp1692=; no amino-acid change (aspartic acid 1692 retained).
Molecular consequence: synonymous variant. On other transcripts: intron variant (2).
Genome position (GRCh38, 1-based): chr17:43,063,950, A>G on the plus strand (T>C on the coding strand, the complement: BRCA1 is on the minus strand). VCF-style: chr17-43063950-A-G. GRCh37 (hg19) VCF-style: chr17-41215967-A-G.
Other names: c.4863T>C, p.Asp1621= (NM_001407571.1, NM_001407894.1, NM_001407895.1 and 12 more transcripts); c.5142T>C, p.Asp1714= (NM_001407581.1, NM_001407582.1); c.5139T>C, p.Asp1713= (NM_001407583.1, NM_001407585.1, NM_001407587.1 and 1 more transcripts); c.5136T>C, p.Asp1712= (NM_001407590.1, NM_001407591.1); c.5076T>C, p.Asp1692= (NM_001407593.1, NM_001407594.1, NM_001407596.1 and 7 more transcripts); c.5073T>C, p.Asp1691= (NM_001407610.1, NM_001407611.1, NM_001407612.1 and 17 more transcripts); c.5070T>C, p.Asp1690= (NM_001407627.1, NM_001407628.1, NM_001407629.1 and 14 more transcripts); c.5067T>C, p.Asp1689= (NM_001407644.1, NM_001407645.1); and 73 more.
Identifiers: ClinVar variation 864925 (VCV000864925.3), dbSNP rs2051937547, ClinGen allele CA500146219.

Conditions:
Breast-ovarian cancer, familial, susceptibility to, 1 (BROVCA1). Also called: BRCA1 Hereditary Breast and Ovarian Cancer; OVARIAN CANCER, SUSCEPTIBILITY TO. Identifiers: Orphanet 145, MedGen C2676676, MONDO:0011450, OMIM 604370. Disease mechanism: loss of function.

Submission:

Brotman Baty Institute, University of Washington
No classification provided (evidence only). Condition: Breast-ovarian cancer, familial 1. Review status: no classification provided. Collection method: in vitro. Allele origin: not applicable. Functional consequence: functionally_normal.
ClinVar note: "not provided" was previously submitted as the classification for the variant. However, the classification appeared to be based only on an observation of functional data so it was converted to no classification on 2025-07-30.